The following is an entry in ClinVar:

ClinVar aggregate classification (germline): Uncertain significance (1 of 4 stars; one submission).

gnomAD v4.1: 7 of 1,613,718 alleles (0.00043%); highest among the groups gnomAD compares: Admixed American, 0.012%; no homozygotes.

Submission:

Labcorp Genetics (formerly Invitae), Labcorp
Classification: Uncertain significance. Last evaluated: 2025-09-02. Review status: criteria provided, single submitter. Criteria: Invitae Variant Classification Sherloc (09022015). Collection method: clinical testing. Allele origin: germline.
Comment: This sequence change replaces alanine, which is neutral and non-polar, with serine, which is neutral and polar, at codon 1069 of the ATP8A2 protein (p.Ala1069Ser). This variant is present in population databases (rs2296242, gnomAD 0.02%). This variant has not been reported in the literature in individuals affected with ATP8A2-related conditions. ClinVar contains an entry for this variant (Variation ID: 1405628). Invitae Evidence Modeling of protein sequence and biophysical properties (such as structural, functional, and spatial information, amino acid conservation, physicochemical variation, residue mobility, and thermodynamic stability) indicates that this missense variant is not expected to disrupt ATP8A2 protein function with a negative predictive value of 80%. In summary, the available evidence is currently insufficient to determine the role of this variant in disease. Therefore, it has been classified as a Variant of Uncertain Significance.

NM_016529.6(ATP8A2):c.3205G>T (p.Ala1069Ser)

Gene: ATP8A2 (ATPase phospholipid transporting 8A2). Cytogenetic location: 13q12.13.
Variant type: single nucleotide variant.
Coding change: c.3205G>T on transcript NM_016529.6 (MANE Select); coding-DNA position 3205, G replaced by T.
Protein change: p.Ala1069Ser; replaces alanine 1069 with serine.
Molecular consequence: missense variant.
Genome position (GRCh38, 1-based): chr13:25,961,596, G>T. VCF-style: chr13-25961596-G-T. GRCh37 (hg19) VCF-style: chr13-26535734-G-T.
Other names: c.3010G>T, p.Ala1004Ser (NM_001313741.1); short protein forms A1069S, A1004S.
Identifiers: ClinVar variation 1405628 (VCV001405628.8), dbSNP rs2296242, ClinGen allele CA6923651.
Genomic context (GRCh38, chr13:25,961,596, plus strand): 5'-AGAAAGTATTCAAGCAAGTGTCACTTCTATTTCTTGCAGGCAACTATGGTCCTGAGCTCC[G>T]CACACTTCTGGTTGGGATTATTTCTGGTTCCTACTGCCTGTTTGATTGAAGATGTGGCAT-3'
Protein context (NP_057613.4, residues 1059-1079): RGQATMVLSS[Ala1069Ser]HFWLGLFLVP